The following is an entry in ClinVar:

ClinVar aggregate classification (germline): Uncertain significance (1 of 4 stars; one submission).

Submission:

Labcorp Genetics (formerly Invitae), Labcorp
Classification: Uncertain significance. Last evaluated: 2025-02-25. Review status: criteria provided, single submitter. Criteria: Invitae Variant Classification Sherloc (09022015). Collection method: clinical testing. Allele origin: germline.
Comment: This sequence change replaces serine, which is neutral and polar, with threonine, which is neutral and polar, at codon 516 of the CACNA2D4 protein (p.Ser516Thr). This variant is not present in population databases (gnomAD no frequency). This variant has not been reported in the literature in individuals affected with CACNA2D4-related conditions. An algorithm developed to predict the effect of missense changes on protein structure and function (PolyPhen-2) suggests that this variant is likely to be disruptive. In summary, the available evidence is currently insufficient to determine the role of this variant in disease. Therefore, it has been classified as a Variant of Uncertain Significance.

NM_172364.5(CACNA2D4):c.1547G>C (p.Ser516Thr)

Gene: CACNA2D4 (calcium voltage-gated channel auxiliary subunit alpha2delta 4; minus strand). Cytogenetic location: 12p13.33.
Variant type: single nucleotide variant.
Coding change: c.1547G>C on transcript NM_172364.5 (MANE Select); coding-DNA position 1547, G replaced by C.
Protein change: p.Ser516Thr; replaces serine 516 with threonine.
Molecular consequence: missense variant.
Genome position (GRCh38, 1-based): chr12:1,879,820, C>G on the plus strand (G>C on the coding strand, the complement: CACNA2D4 is on the minus strand). VCF-style: chr12-1879820-C-G. GRCh37 (hg19) VCF-style: chr12-1988986-C-G.
Other names: short protein forms S516T.
Identifiers: ClinVar variation 3623843 (VCV003623843.2).